The following is an entry in ClinVar:

NM_000052.7(ATP7A):c.1296_1297del (p.Gly433fs)

Gene: ATP7A (ATPase copper transporting alpha; plus strand). Cytogenetic location: Xq21.1.
Variant type: Microsatellite.
Coding change: c.1296_1297del on transcript NM_000052.7 (MANE Select); coding-DNA positions 1296 to 1297, 2 bases deleted (AG; older notation c.1296_1297delAG).
Protein change: p.Gly433fs; shifts the reading frame from glycine 433.
Molecular consequence: frameshift variant.
Genome position (GRCh38, 1-based): chrX:77,989,918-77,989,919, AG deleted; deleting any 2 consecutive bases within chrX:77,989,915-77,989,919 gives the same sequence; the c. name uses the placement nearest the transcript's 3' end. VCF-style (leftmost placement, unchanged base first): chrX-77989914-TGA-T. GRCh37 (hg19) VCF-style: chrX-77245410-TGA-T.
Other names: c.1296_1297del, p.Gly433fs (NM_001282224.2); short protein forms G433fs.
Identifiers: ClinVar variation 1724063 (VCV001724063.3), dbSNP rs2522295420, ClinGen allele CA2580612422.

ClinVar aggregate classification (germline): Likely pathogenic (1 of 4 stars; one submission).

Conditions:
Menkes kinky-hair syndrome (MNK). Also called: Copper transport disease; Classic Menkes Disease; Menkes Disease. Identifiers: Orphanet 565, MedGen C0022716, MONDO:0010651, OMIM 309400.

Submission:

Myriad Genetics, Inc.
Classification: Likely pathogenic for Menkes kinky-hair syndrome. Last evaluated: 2022-01-24. Review status: criteria provided, single submitter. Criteria: Myriad Autosomal Dominant, Autosomal Recessive and X-Linked Classification Criteria (2023). Collection method: clinical testing. Allele origin: unknown.
Comment: NM_000052.5(ATP7A):c.1296_1297delAG(G433Sfs*8) is expected to be pathogenic in the context of ATP7A-related disorders. This variant is predicted to lead to an abnormal or absent protein product due to the creation of a premature termination codon in ATP7A, a gene where loss-of-function variants are known to be pathogenic. Please note: this variant was assessed in the context of healthy population screening.